The following is an entry in ClinVar:

NM_000179.3(MSH6):c.3310_3312del (p.Phe1104del)

Gene: MSH6 (mutS homolog 6; plus strand). Cytogenetic location: 2p16.3.
Variant type: Deletion.
Coding change: c.3310_3312del on transcript NM_000179.3 (MANE Select); coding-DNA positions 3310 to 3312, 3 bases deleted (TTT; older notation c.3310_3312delTTT).
Protein change: p.Phe1104del; deletes phenylalanine 1104.
Molecular consequence: inframe deletion.
Genome position (GRCh38, 1-based): chr2:47,803,557-47,803,559, TTT deleted; deleting any 3 consecutive bases within chr2:47,803,553-47,803,559 gives the same sequence; the c. name uses the placement nearest the transcript's 3' end. VCF-style (leftmost placement, unchanged base first): chr2-47803552-CTTT-C. GRCh37 (hg19) VCF-style: chr2-48030691-CTTT-C.
Other names: c.2920_2922del, p.Phe974del (NM_001281492.2); c.2404_2406del, p.Phe802del (NM_001281493.2, NM_001281494.2); c.3310_3312delTTT (NM_000179.2); short protein forms F1104del, F974del, F802del.
Identifiers: ClinVar variation 918575 (VCV000918575.5), dbSNP rs267608092, ClinGen allele CA1139656963.

ClinVar aggregate classification (germline): Uncertain significance. Review status: criteria provided, multiple submitters, no conflicts (2 of 4 stars). 3 submissions from 3 submitters: Uncertain significance (3). Last evaluated 2025-07-29.

Conditions:
Hereditary nonpolyposis colorectal neoplasms. Identifiers: MedGen C0009405, MeSH D003123.
Hereditary cancer-predisposing syndrome. Also called: Neoplastic Syndromes, Hereditary; Tumor predisposition; Hereditary Cancer Syndrome; Hereditary neoplastic syndrome. Identifiers: Orphanet 140162, MedGen C0027672, MeSH D009386, MONDO:0015356.

Submissions (3):

Labcorp Genetics (formerly Invitae), Labcorp
Classification: Uncertain significance for Hereditary nonpolyposis colorectal neoplasms. Last evaluated: 2025-07-29. Review status: criteria provided, single submitter. Criteria: Invitae Variant Classification Sherloc (09022015). Collection method: clinical testing. Allele origin: germline.
Comment: This variant, c.3310_3312del, results in the deletion of 1 amino acid(s) of the MSH6 protein (p.Phe1104del), but otherwise preserves the integrity of the reading frame. This variant is not present in population databases (gnomAD no frequency). This variant has not been reported in the literature in individuals affected with MSH6-related conditions. ClinVar contains an entry for this variant (Variation ID: 918575). Experimental studies and prediction algorithms are not available or were not evaluated, and the functional significance of this variant is currently unknown. In summary, the available evidence is currently insufficient to determine the role of this variant in disease. Therefore, it has been classified as a Variant of Uncertain Significance.

Ambry Genetics
Classification: Uncertain significance for Hereditary cancer-predisposing syndrome. Last evaluated: 2025-04-21. Review status: criteria provided, single submitter. Criteria: Ambry Variant Classification Scheme 2023. Collection method: clinical testing. Allele origin: germline.
Comment: The c.3310_3312delTTT variant (also known as p.F1104del) is located in coding exon 5 of the MSH6 gene. This variant results from an in-frame TTT deletion at nucleotide positions 3310 to 3312. This results in the in-frame deletion of a phenylalanine at codon 1104. This amino acid position is highly conserved in available vertebrate species. In addition, the in silico prediction for this alteration is inconclusive (Choi Y et al. PLoS ONE. 2012; 7(10):e46688). Based on the available evidence, the clinical significance of this variant remains unclear.

Color Diagnostics, LLC DBA Color Health
Classification: Uncertain significance for Hereditary cancer-predisposing syndrome. Last evaluated: 2019-09-06. Review status: criteria provided, single submitter. Criteria: ACMG Guidelines, 2015. Collection method: clinical testing. Allele origin: germline.
Comment: This variant causes an in-frame deletion of 1 amino acid of the MSH6 protein. Splice site prediction tools suggest that this variant may not impact RNA splicing. To our knowledge, functional studies have not been performed for this variant. This variant has not been reported in individuals affected with hereditary cancer in the literature. This variant has not been identified in the general population by the Genome Aggregation Database (gnomAD). The available evidence is insufficient to determine the role of this variant in disease conclusively. Therefore, this variant is classified as a Variant of Uncertain Significance.